The following is an entry in ClinVar:

ClinVar aggregate classification (germline): Uncertain significance (1 of 4 stars; one submission).

Allele frequency attached by ClinVar (database versions not stated): gnomAD exomes below 0.00001.
gnomAD v4.1: 2 of 1,211,605 alleles (0.00017%); highest among the groups gnomAD compares: Non-Finnish European, 0.00022%; no homozygotes.

Submission:

GeneDx
Classification: Uncertain significance. Last evaluated: 2017-06-13. Review status: criteria provided, single submitter. Criteria: GeneDx Variant Classification (06012015). Collection method: clinical testing. Allele origin: germline. Affected: yes.
Comment: The K736R variant in the ARHGEF6 gene has not been reported previously as a pathogenic variant, nor as a benign variant, to our knowledge. The K736R variant is not observed in large population cohorts (Lek et al., 2016; 1000 Genomes Consortium et al., 2015; Exome Variant Server). The K736R variant is a conservative amino acid substitution, which is not likely to impact secondary protein structure as these residues share similar properties. This substitution occurs at a position that is conserved across species, however, in silico analysis is inconsistent in its predictions as to whether or not the variant is damaging to the protein structure/function. We interpret K736R as a variant of uncertain significance, which may be related to the seizures reported in this individual.

NM_004840.3(ARHGEF6):c.2207A>G (p.Lys736Arg)

Gene: ARHGEF6 (Rac/Cdc42 guanine nucleotide exchange factor 6; minus strand). Cytogenetic location: Xq26.3.
Variant type: single nucleotide variant.
Coding change: c.2207A>G on transcript NM_004840.3 (MANE Select); coding-DNA position 2207, A replaced by G.
Protein change: p.Lys736Arg; replaces lysine 736 with arginine.
Molecular consequence: missense variant.
Genome position (GRCh38, 1-based): chrX:136,668,153, T>C on the plus strand (A>G on the coding strand, the complement: ARHGEF6 is on the minus strand). VCF-style: chrX-136668153-T-C. GRCh37 (hg19) VCF-style: chrX-135750312-T-C.
Other names: c.1745A>G, p.Lys582Arg (NM_001306177.2); short protein forms K736R, K582R.
Identifiers: ClinVar variation 432649 (VCV000432649.2), dbSNP rs1044202181, ClinGen allele CA336268866.